The following is an entry in ClinVar:

NM_017999.5(RNF31):c.2727+6C>T

Gene: RNF31 (ring finger protein 31; plus strand). Cytogenetic location: 14q12.
Variant type: single nucleotide variant.
Coding change: c.2727+6C>T on transcript NM_017999.5 (MANE Select); 6 bases into the intron after coding-DNA position 2727, C replaced by T.
Molecular consequence: intron variant.
Genome position (GRCh38, 1-based): chr14:24,157,644, C>T. VCF-style: chr14-24157644-C-T. GRCh37 (hg19) VCF-style: chr14-24626853-C-T.
Other names: c.2274+6C>T (NM_001310332.2).
Identifiers: ClinVar variation 1504162 (VCV001504162.6), dbSNP rs2038363919, ClinGen allele CA2123813820.

ClinVar aggregate classification (germline): Uncertain significance (1 of 4 stars; one submission).

Submission:

Labcorp Genetics (formerly Invitae), Labcorp
Classification: Uncertain significance. Last evaluated: 2021-07-08. Review status: criteria provided, single submitter. Criteria: Invitae Variant Classification Sherloc (09022015). Collection method: clinical testing. Allele origin: germline.
Comment: This variant is not present in population databases (ExAC no frequency). This sequence change falls in intron 16 of the RNF31 gene. It does not directly change the encoded amino acid sequence of the RNF31 protein. It affects a nucleotide within the consensus splice site of the intron. This variant has not been reported in the literature in individuals affected with RNF31-related conditions. Nucleotide substitutions within the consensus splice site are a relatively common cause of aberrant splicing (PMID: 17576681, 9536098). Algorithms developed to predict the effect of sequence changes on RNA splicing suggest that this variant is not likely to affect RNA splicing. In summary, the available evidence is currently insufficient to determine the role of this variant in disease. Therefore, it has been classified as a Variant of Uncertain Significance.

Literature cited by the submitters: PubMed 17576681; PubMed 9536098.